The following is an entry in ClinVar:

NM_003470.3(USP7):c.862_863del (p.Leu288fs)

Gene: USP7 (ubiquitin specific peptidase 7; minus strand). Cytogenetic location: 16p13.2.
Variant type: Deletion.
Coding change: c.862_863del on transcript NM_003470.3 (MANE Select); coding-DNA positions 862 to 863, 2 bases deleted (TT; older notation c.862_863delTT).
Protein change: p.Leu288fs; shifts the reading frame from leucine 288.
Molecular consequence: frameshift variant. On other transcripts: non-coding transcript variant (1).
Genome position (GRCh38, 1-based): chr16:8,916,545-8,916,546, AA deleted on the plus strand (TT on the coding strand, the reverse complement: USP7 is on the minus strand); deleting any 2 consecutive bases within chr16:8,916,545-8,916,547 gives the same sequence; the c. name uses the placement nearest the transcript's 3' end. VCF-style (leftmost placement, unchanged base first): chr16-8916544-TAA-T. GRCh37 (hg19) VCF-style: chr16-9010401-TAA-T.
Other names: c.814_815del, p.Leu272fs (NM_001286457.2); c.565_566del, p.Leu189fs (NM_001286458.2); c.688_689del, p.Leu230fs (NM_001321858.2); short protein forms L189fs, L230fs, L272fs, L288fs.
Identifiers: ClinVar variation 1320052 (VCV001320052.1), dbSNP rs2141202964, ClinGen allele CA2573054291.

ClinVar aggregate classification (germline): Likely pathogenic (1 of 4 stars; one submission).

Conditions:
Hao-Fountain syndrome (HAFOUS). Identifiers: Orphanet 643549, MedGen C5393908, MONDO:0014805.

Submission:

3billion
Classification: Likely pathogenic for Hao-Fountain syndrome due to USP7 mutation. Last evaluated: 2021-10-02. Review status: criteria provided, single submitter. Criteria: ACMG Guidelines, 2015. Collection method: clinical testing. Allele origin: unknown. Affected: yes. Observed: 1 heterozygote.
Comment: Frameshift: predicted to result in a loss or disruption of normal protein function through nonsense-mediated decay (NMD) or protein truncation. Multiple pathogenic variants are reported downstream of the variant (PVS1_VS). It is not observed in the gnomAD v2.1.1 dataset (PM2). Therefore, this variant is classified as likely pathogenic according to the recommendation of ACMG/AMP guideline.